The following is an entry in ClinVar:

NM_199242.3(UNC13D):c.1199G>A (p.Ser400Asn)

Gene: UNC13D (unc-13 homolog D; minus strand). Cytogenetic location: 17q25.1.
Variant type: single nucleotide variant.
Coding change: c.1199G>A on transcript NM_199242.3 (MANE Select); coding-DNA position 1199, G replaced by A.
Protein change: p.Ser400Asn; replaces serine 400 with asparagine.
Molecular consequence: missense variant.
Genome position (GRCh38, 1-based): chr17:75,836,671, C>T on the plus strand (G>A on the coding strand, the complement: UNC13D is on the minus strand). VCF-style: chr17-75836671-C-T. GRCh37 (hg19) VCF-style: chr17-73832752-C-T.
Other names: short protein forms S400N.
Identifiers: ClinVar variation 2414333 (VCV002414333.3), dbSNP rs747320781, ClinGen allele CA8773083.

ClinVar aggregate classification (germline): Uncertain significance (1 of 4 stars; one submission).

Conditions:
Familial hemophagocytic lymphohistiocytosis 3 (FHL3). Also called: UNC13D-Related Familial Hemophagocytic Lymphohistiocytosis (UNC13D-fHLH). Identifiers: Orphanet 540, MedGen C1837174, MONDO:0012146, OMIM 608898.

Allele frequency attached by ClinVar (database versions not stated): TOPMed below 0.00001; ExAC 0.00001; gnomAD 0.00001; gnomAD exomes 0.00001.
gnomAD v4.1: 19 of 1,613,592 alleles (0.0012%); highest among the groups gnomAD compares: African/African-American, 0.0027%; no homozygotes.

Submission:

Labcorp Genetics (formerly Invitae), Labcorp
Classification: Uncertain significance for Familial hemophagocytic lymphohistiocytosis 3. Last evaluated: 2022-06-09. Review status: criteria provided, single submitter. Criteria: Invitae Variant Classification Sherloc (09022015). Collection method: clinical testing. Allele origin: germline.
Comment: This sequence change replaces serine, which is neutral and polar, with asparagine, which is neutral and polar, at codon 400 of the UNC13D protein (p.Ser400Asn). This variant is present in population databases (rs747320781, gnomAD 0.004%). This variant has not been reported in the literature in individuals affected with UNC13D-related conditions. Algorithms developed to predict the effect of missense changes on protein structure and function output the following: SIFT: "Not Available"; PolyPhen-2: "Benign"; Align-GVGD: "Not Available". The asparagine amino acid residue is found in multiple mammalian species, which suggests that this missense change does not adversely affect protein function. In summary, the available evidence is currently insufficient to determine the role of this variant in disease. Therefore, it has been classified as a Variant of Uncertain Significance.